The following is an entry in ClinVar:

ClinVar aggregate classification (germline): Uncertain significance. Review status: criteria provided, multiple submitters, no conflicts (2 of 4 stars). 2 submissions from 2 submitters: Uncertain significance (2). Last evaluated 2025-04-06.

Conditions:
Inborn genetic diseases. Identifiers: MedGen C0950123, MeSH D030342.

Allele frequency attached by ClinVar (database versions not stated): gnomAD exomes 0.00001; gnomAD 0.00003; ExAC 0.00007.
gnomAD v4.1: 19 of 1,614,102 alleles (0.0012%); highest among the groups gnomAD compares: South Asian, 0.018%; 1 homozygote.

Submissions (2):

Ambry Genetics
Classification: Uncertain significance for Inborn genetic diseases. Last evaluated: 2025-04-06. Review status: criteria provided, single submitter. Criteria: Ambry Variant Classification Scheme 2023. Collection method: clinical testing. Allele origin: germline.

Labcorp Genetics (formerly Invitae), Labcorp
Classification: Uncertain significance. Last evaluated: 2023-08-14. Review status: criteria provided, single submitter. Criteria: Invitae Variant Classification Sherloc (09022015). Collection method: clinical testing. Allele origin: germline.
Comment: This variant is present in population databases (rs761879535, gnomAD 0.02%). This variant has not been reported in the literature in individuals affected with DPF2-related conditions. An algorithm developed to predict the effect of missense changes on protein structure and function (PolyPhen-2) suggests that this variant is likely to be tolerated. In summary, the available evidence is currently insufficient to determine the role of this variant in disease. Therefore, it has been classified as a Variant of Uncertain Significance. This sequence change replaces aspartic acid, which is acidic and polar, with glycine, which is neutral and non-polar, at codon 141 of the DPF2 protein (p.Asp141Gly).

NM_006268.5(DPF2):c.422A>G (p.Asp141Gly)

Gene: DPF2 (double PHD fingers 2; plus strand). Cytogenetic location: 11q13.1.
Variant type: single nucleotide variant.
Coding change: c.422A>G on transcript NM_006268.5 (MANE Select); coding-DNA position 422, A replaced by G.
Protein change: p.Asp141Gly; replaces aspartic acid 141 with glycine.
Molecular consequence: missense variant.
Genome position (GRCh38, 1-based): chr11:65,341,519, A>G. VCF-style: chr11-65341519-A-G. GRCh37 (hg19) VCF-style: chr11-65108990-A-G.
Other names: c.422A>G, p.Asp141Gly (NM_001330308.2); c.422A>G (NM_006268.4); short protein forms D141G.
Identifiers: ClinVar variation 2880802 (VCV002880802.4), dbSNP rs761879535, ClinGen allele CA6095262.
Genomic context (GRCh38, chr11:65,341,519, plus strand): 5'-CTCTGTTGCGCACTGACCCCCTGGAGAAGCGAGGTGCCCCGGATCCCCGAGTTGATGATG[A>G]CAGCCTGGGCGAGTTTCCTGTGACCAACAGTCGAGCGCGAAAGGTACAGGATTATCCCTG-3'
Protein context (NP_006259.1, residues 131-151): RGAPDPRVDD[Asp141Gly]SLGEFPVTNS